The following is an entry in ClinVar:

ClinVar aggregate classification (germline): Conflicting classifications of pathogenicity. Review status: criteria provided, conflicting classifications (1 of 4 stars). 2 submissions from 2 submitters: Uncertain significance (1); Likely benign (1). Last evaluated 2024-02-08.

Conditions:
Hereditary cancer-predisposing syndrome. Also called: Neoplastic Syndromes, Hereditary; Hereditary Cancer Syndrome; Tumor predisposition; Hereditary neoplastic syndrome. Identifiers: Orphanet 140162, MedGen C0027672, MeSH D009386, MONDO:0015356.
Rhabdoid tumor predisposition syndrome 2 (RTPS2). Identifiers: Orphanet 231108, Orphanet 69077, MedGen C2750074, MONDO:0013224, OMIM 613325.

Submissions (2):

Labcorp Genetics (formerly Invitae), Labcorp
Classification: Uncertain significance for Rhabdoid tumor predisposition syndrome 2. Last evaluated: 2024-02-08. Review status: criteria provided, single submitter. Criteria: Invitae Variant Classification Sherloc (09022015). Collection method: clinical testing. Allele origin: germline.
Comment: This variant, c.714_731dup, results in the insertion of 6 amino acid(s) of the SMARCA4 protein (p.Gly239_Pro244dup), but otherwise preserves the integrity of the reading frame. This variant is present in population databases (no rsID available, gnomAD 0.002%). This variant has not been reported in the literature in individuals affected with SMARCA4-related conditions. ClinVar contains an entry for this variant (Variation ID: 942815). Experimental studies and prediction algorithms are not available or were not evaluated, and the functional significance of this variant is currently unknown. In summary, the available evidence is currently insufficient to determine the role of this variant in disease. Therefore, it has been classified as a Variant of Uncertain Significance.

Ambry Genetics
Classification: Likely benign for Hereditary cancer-predisposing syndrome. Last evaluated: 2022-02-03. Review status: criteria provided, single submitter. Criteria: Ambry Variant Classification Scheme 2023. Collection method: clinical testing. Allele origin: germline.

NM_003072.5(SMARCA4):c.714_731dup (p.229GP[11])

Gene: SMARCA4 (SWI/SNF related BAF chromatin remodeling complex subunit ATPase 4; plus strand). Cytogenetic location: 19p13.2.
Variant type: Duplication.
Coding change: c.714_731dup on transcript NM_003072.5 (MANE Select); coding-DNA positions 714 to 731, 18 bases duplicated (CGGCCCGGGTCCCGGCCC).
Protein change: p.229GP[11].
Molecular consequence: inframe insertion. On other transcripts: non-coding transcript variant (1).
Genome position (GRCh38, 1-based): chr19:10,986,547-10,986,564, CGGCCCGGGTCCCGGCCC duplicated; duplicating any 18 consecutive bases within chr19:10,986,542-10,986,564 gives the same sequence; the c. name uses the placement nearest the transcript's 3' end. VCF-style (leftmost placement, unchanged base first): chr19-10986541-T-TGGCCCCGGCCCGGGTCCC. GRCh37 (hg19) VCF-style: chr19-11097217-T-TGGCCCCGGCCCGGGTCCC.
Other names: c.714_731dup, p.229GP[11] (NM_001128844.3, NM_001128845.2, NM_001128846.2 and 4 more transcripts); c.714_731dupCGGCCCGGGTCCCGGCCC (NM_001128849.1).
Identifiers: ClinVar variation 942815 (VCV000942815.12), dbSNP rs1568423542, ClinGen allele CA505744090.